The following is an entry in ClinVar:

NM_004722.4(AP4M1):c.1137+6C>T

Gene: AP4M1 (adaptor related protein complex 4 subunit mu 1; plus strand). Cytogenetic location: 7q22.1.
Variant type: single nucleotide variant.
Coding change: c.1137+6C>T on transcript NM_004722.4 (MANE Select); 6 bases into the intron after coding-DNA position 1137, C replaced by T.
Molecular consequence: intron variant.
Genome position (GRCh38, 1-based): chr7:100,106,520, C>T. VCF-style: chr7-100106520-C-T. GRCh37 (hg19) VCF-style: chr7-99704143-C-T.
Other names: c.1137+6C>T (NM_004722.3); c.1158+6C>T (NM_001363671.2).
Identifiers: ClinVar variation 2162087 (VCV002162087.5), dbSNP rs200357028, ClinGen allele CA4374981.
Genomic context (GRCh38, chr7:100,106,520, plus strand): 5'-TCGCTGGGACCTGCCTCGGGTGCAAGGAGGCTCTCAACTCTCAGGCCTTTTCCAGGTATT[C>T]GCTGTGGACCCCCAGCCCCTCTCCTCCCACATTCACTTGCAGCCCCCACCCCACCCTCCC-3'

ClinVar aggregate classification (germline): Uncertain significance. Review status: criteria provided, multiple submitters, no conflicts (2 of 4 stars). 2 submissions from 2 submitters: Uncertain significance (2). Last evaluated 2022-04-25.

Conditions:
Inborn genetic diseases. Identifiers: MedGen C0950123, MeSH D030342.
Hereditary spastic paraplegia 50 (SPG50). Also called: Spastic paraplegia 50, autosomal recessive. Identifiers: Orphanet 280763, MedGen C2752008, MONDO:0013048, OMIM 612936.

Allele frequency attached by ClinVar (database versions not stated): ExAC 0.00001; gnomAD exomes 0.00001; TOPMed 0.00001.
gnomAD v4.1: 17 of 1,611,686 alleles (0.0011%); highest among the groups gnomAD compares: East Asian, 0.011%; no homozygotes.

Submissions (2):

Ambry Genetics
Classification: Uncertain significance for Inborn genetic diseases. Last evaluated: 2022-04-25. Review status: criteria provided, single submitter. Criteria: Ambry Variant Classification Scheme 2023. Collection method: clinical testing. Allele origin: germline.
Comment: The c.1137+6C>T intronic alteration consists of a C to T substitution 6 nucleotides after exon 14 of the AP4M1 gene. Based on insufficient or conflicting evidence, the clinical significance of this alteration remains unclear.

Labcorp Genetics (formerly Invitae), Labcorp
Classification: Uncertain significance for Hereditary spastic paraplegia 50. Last evaluated: 2022-02-25. Review status: criteria provided, single submitter. Criteria: Invitae Variant Classification Sherloc (09022015). Collection method: clinical testing. Allele origin: germline.
Comment: In summary, the available evidence is currently insufficient to determine the role of this variant in disease. Therefore, it has been classified as a Variant of Uncertain Significance. Variants that disrupt the consensus splice site are a relatively common cause of aberrant splicing (PMID: 17576681, 9536098). Algorithms developed to predict the effect of sequence changes on RNA splicing suggest that this variant is not likely to affect RNA splicing. This variant has not been reported in the literature in individuals affected with AP4M1-related conditions. This variant is present in population databases (rs200357028, gnomAD 0.01%). This sequence change falls in intron 14 of the AP4M1 gene. It does not directly change the encoded amino acid sequence of the AP4M1 protein. It affects a nucleotide within the consensus splice site.

Literature cited by the submitters: PubMed 17576681 (cited by Labcorp Genetics (formerly Invitae), Labcorp); PubMed 9536098 (cited by Labcorp Genetics (formerly Invitae), Labcorp).